The following is an entry in ClinVar:

ClinVar aggregate classification (germline): Uncertain significance (1 of 4 stars; one submission).

Conditions:
Hereditary cancer-predisposing syndrome. Also called: Neoplastic Syndromes, Hereditary; Tumor predisposition; Hereditary Cancer Syndrome; Hereditary neoplastic syndrome. Identifiers: Orphanet 140162, MedGen C0027672, MeSH D009386, MONDO:0015356.

Submission:

Ambry Genetics
Classification: Uncertain significance for Hereditary cancer-predisposing syndrome. Last evaluated: 2017-07-07. Review status: criteria provided, single submitter. Criteria: Ambry Variant Classification Scheme 2023. Collection method: clinical testing. Allele origin: germline.
Comment: The p.Q861R variant (also known as c.2582A>G), located in coding exon 16 of the RAD50 gene, results from an A to G substitution at nucleotide position 2582. The glutamine at codon 861 is replaced by arginine, an amino acid with highly similar properties. This amino acid position is highly conserved in available vertebrate species. In addition, the in silico prediction for this alteration is inconclusive. Since supporting evidence is limited at this time, the clinical significance of this alteration remains unclear.

NM_005732.4(RAD50):c.2582A>G (p.Gln861Arg)

Gene: RAD50 (RAD50 double strand break repair protein; plus strand). Cytogenetic location: 5q31.1.
Variant type: single nucleotide variant.
Coding change: c.2582A>G on transcript NM_005732.4 (MANE Select); coding-DNA position 2582, A replaced by G.
Protein change: p.Gln861Arg; replaces glutamine 861 with arginine.
Molecular consequence: missense variant.
Genome position (GRCh38, 1-based): chr5:132,604,863, A>G. VCF-style: chr5-132604863-A-G. GRCh37 (hg19) VCF-style: chr5-131940555-A-G.
Other names: short protein forms Q861R.
Identifiers: ClinVar variation 484715 (VCV000484715.5), dbSNP rs1554099190, ClinGen allele CA360956436.
Genomic context (GRCh38, chr5:132,604,863, plus strand): 5'-TAGTTTCTAGTAAGATTGAATTGAATCGTAAGCTTATACAGGACCAGCAGGAACAGATTC[A>G]ACATCTAAAAAGTACAACAAATGAGCTAAAATCTGAGAAACTTCAGATATCCACTAATTT-3'
Protein context (NP_005723.2, residues 851-871): KLIQDQQEQI[Gln861Arg]HLKSTTNELK